The following is an entry in ClinVar:

NM_001572.5(IRF7):c.1268G>A (p.Arg423His)

Gene: IRF7 (interferon regulatory factor 7; minus strand). Cytogenetic location: 11p15.5.
Variant type: single nucleotide variant.
Coding change: c.1268G>A on transcript NM_001572.5 (MANE Select); coding-DNA position 1268, G replaced by A.
Protein change: p.Arg423His; replaces arginine 423 with histidine.
Molecular consequence: missense variant.
Genome position (GRCh38, 1-based): chr11:613,087, C>T on the plus strand (G>A on the coding strand, the complement: IRF7 is on the minus strand). VCF-style: chr11-613087-C-T. GRCh37 (hg19) VCF-style: chr11-613087-C-T.
Other names: c.1181G>A, p.Arg394His (NM_004029.4); c.1307G>A, p.Arg436His (NM_004031.4); short protein forms R436H, R394H, R423H.
Identifiers: ClinVar variation 1464008 (VCV001464008.6), dbSNP rs149039709, ClinGen allele CA5783514.
Genomic context (GRCh38, chr11:613,087, plus strand): 5'-GGCCTCCCAGCTGACAGGTCCTGCCCGAAGCCCAGGTAGATGGTATAGCGTGGGGAGCCA[C>T]GGCGCTGCCGTGCCCGGAATTCCACCAGCTCTGAAGAAGGGGACTCTGCTGAGTACCTGG-3'
Protein context (NP_001563.2, residues 413-433): ELVEFRARQR[Arg423His]GSPRYTIYLG

ClinVar aggregate classification (germline): Uncertain significance (1 of 4 stars; one submission).

Conditions:
Immunodeficiency 39 (IMD39). Identifiers: Orphanet 574918, MedGen C4225358, MONDO:0014597, OMIM 616345.

Submission:

Labcorp Genetics (formerly Invitae), Labcorp
Classification: Uncertain significance for Immunodeficiency 39. Last evaluated: 2024-06-25. Review status: criteria provided, single submitter. Criteria: Invitae Variant Classification Sherloc (09022015). Collection method: clinical testing. Allele origin: germline.
Comment: This sequence change replaces arginine, which is basic and polar, with histidine, which is basic and polar, at codon 436 of the IRF7 protein (p.Arg436His). This variant is present in population databases (rs149039709, gnomAD 0.01%). This variant has not been reported in the literature in individuals affected with IRF7-related conditions. ClinVar contains an entry for this variant (Variation ID: 1464008). An algorithm developed to predict the effect of missense changes on protein structure and function (PolyPhen-2) suggests that this variant is likely to be disruptive. In summary, the available evidence is currently insufficient to determine the role of this variant in disease. Therefore, it has been classified as a Variant of Uncertain Significance.